The following is an entry in ClinVar:

NM_001458.5(FLNC):c.7490G>C (p.Gly2497Ala)

Genes: FLNC (filamin C; plus strand), FLNC-AS1 (FLNC antisense RNA 1; minus strand). Cytogenetic location: 7q32.1.
Variant type: single nucleotide variant.
Coding change: c.7490G>C on transcript NM_001458.5 (MANE Select); coding-DNA position 7490, G replaced by C.
Protein change: p.Gly2497Ala; replaces glycine 2497 with alanine.
Molecular consequence: missense variant.
Genome position (GRCh38, 1-based): chr7:128,856,850, G>C. VCF-style: chr7-128856850-G-C. GRCh37 (hg19) VCF-style: chr7-128496904-G-C.
Other names: c.7391G>C, p.Gly2464Ala (NM_001127487.2); short protein forms G2497A, G2464A.
Identifiers: ClinVar variation 1759157 (VCV001759157.3), dbSNP rs2536670469, ClinGen allele CA369218600.

ClinVar aggregate classification (germline): Uncertain significance (1 of 4 stars; one submission).

Conditions:
Cardiovascular phenotype. Identifiers: MedGen CN230736.

Submission:

Ambry Genetics
Classification: Uncertain significance for Cardiovascular phenotype. Last evaluated: 2024-06-22. Review status: criteria provided, single submitter. Criteria: Ambry Variant Classification Scheme 2023. Collection method: clinical testing. Allele origin: germline.
Comment: The p.G2497A variant (also known as c.7490G>C), located in coding exon 45 of the FLNC gene, results from a G to C substitution at nucleotide position 7490. The glycine at codon 2497 is replaced by alanine, an amino acid with similar properties. This amino acid position is highly conserved in available vertebrate species. In addition, this alteration is predicted to be deleterious by in silico analysis. Since supporting evidence is limited at this time, the clinical significance of this alteration remains unclear.